The following is an entry in ClinVar:

ClinVar aggregate classification (germline): Uncertain significance (1 of 4 stars; one submission).

Conditions:
Shprintzen-Goldberg syndrome (SGS). Also called: Marfanoid disorder with craniosynostosis type 1; Marfanoid craniosynostosis syndrome; Shprintzen-Goldberg marfanoid syndrome; SHPRINTZEN-GOLDBERG CRANIOSYNOSTOSIS SYNDROME; CRANIOSYNOSTOSIS WITH ARACHNODACTYLY AND ABDOMINAL HERNIAS. Identifiers: Orphanet 2462, MedGen C1321551, MONDO:0008426, OMIM 182212.

Submission:

Labcorp Genetics (formerly Invitae), Labcorp
Classification: Uncertain significance for Shprintzen-Goldberg syndrome. Last evaluated: 2024-10-22. Review status: criteria provided, single submitter. Criteria: Invitae Variant Classification Sherloc (09022015). Collection method: clinical testing. Allele origin: germline.
Comment: This sequence change replaces phenylalanine, which is neutral and non-polar, with valine, which is neutral and non-polar, at codon 91 of the SKI protein (p.Phe91Val). This variant is not present in population databases (gnomAD no frequency). This variant has not been reported in the literature in individuals affected with SKI-related conditions. ClinVar contains an entry for this variant (Variation ID: 1022780). Invitae Evidence Modeling of protein sequence and biophysical properties (such as structural, functional, and spatial information, amino acid conservation, physicochemical variation, residue mobility, and thermodynamic stability) indicates that this missense variant is expected to disrupt SKI protein function with a positive predictive value of 95%. In summary, the available evidence is currently insufficient to determine the role of this variant in disease. Therefore, it has been classified as a Variant of Uncertain Significance.

NM_003036.4(SKI):c.271T>G (p.Phe91Val)

Gene: SKI (SKI proto-oncogene; plus strand). Cytogenetic location: 1p36.33.
Variant type: single nucleotide variant.
Coding change: c.271T>G on transcript NM_003036.4 (MANE Select); coding-DNA position 271, T replaced by G.
Protein change: p.Phe91Val; replaces phenylalanine 91 with valine.
Molecular consequence: missense variant.
Genome position (GRCh38, 1-based): chr1:2,229,037, T>G. VCF-style: chr1-2229037-T-G. GRCh37 (hg19) VCF-style: chr1-2160476-T-G.
Other names: short protein forms F91V.
Identifiers: ClinVar variation 1022780 (VCV001022780.9), dbSNP rs1638570021, ClinGen allele CA337952437.
Genomic context (GRCh38, chr1:2,229,037, plus strand): 5'-CCGCCCGTGCTGCACCTGCCCGCCATCCAGCCGCCGCCGCCCGTGCTGCCCGGGCCCTTC[T>G]TCATGCCGTCCGACCGCTCCACCGAGCGCTGCGAGACCGTACTGGAAGGCGAGACCATCT-3'
Protein context (NP_003027.1, residues 81-101): PPPPVLPGPF[Phe91Val]MPSDRSTERC